The following is an entry in ClinVar:

ClinVar aggregate classification (germline): Likely pathogenic (1 of 4 stars; one submission).

Conditions:
Deficiency of malonyl-CoA decarboxylase. Also called: Malonic aciduria; MCD deficiency. Identifiers: Orphanet 943, MedGen C0342793, MONDO:0009556, OMIM 248360.

Submission:

Labcorp Genetics (formerly Invitae), Labcorp
Classification: Likely pathogenic for Deficiency of malonyl-CoA decarboxylase. Last evaluated: 2024-07-11. Review status: criteria provided, single submitter. Criteria: Invitae Variant Classification Sherloc (09022015). Collection method: clinical testing. Allele origin: germline.
Comment: This sequence change affects an acceptor splice site in intron 1 of the MLYCD gene. It is expected to disrupt RNA splicing. Variants that disrupt the donor or acceptor splice site typically lead to a loss of protein function (PMID: 16199547), and loss-of-function variants in MLYCD are known to be pathogenic (PMID: 12955715, 17186413). This variant is not present in population databases (gnomAD no frequency). This variant has not been reported in the literature in individuals affected with MLYCD-related conditions. Algorithms developed to predict the effect of sequence changes on RNA splicing suggest that this variant may disrupt the consensus splice site. In summary, the currently available evidence indicates that the variant is pathogenic, but additional data are needed to prove that conclusively. Therefore, this variant has been classified as Likely Pathogenic.

Literature cited by the submitters: PubMed 16199547; PubMed 12955715; PubMed 17186413.

NM_012213.3(MLYCD):c.529-1G>A

Gene: MLYCD (malonyl-CoA decarboxylase; plus strand). Cytogenetic location: 16q23.3.
Variant type: single nucleotide variant.
Coding change: c.529-1G>A on transcript NM_012213.3 (MANE Select); the canonical splice acceptor site of the intron before coding-DNA position 529, G replaced by A.
Molecular consequence: splice acceptor variant.
Genome position (GRCh38, 1-based): chr16:83,906,986, G>A. VCF-style: chr16-83906986-G-A. GRCh37 (hg19) VCF-style: chr16-83940591-G-A.
Identifiers: ClinVar variation 3659286 (VCV003659286.2).